The following is an entry in ClinVar:

NM_000322.5(PRPH2):c.794T>G (p.Met265Arg)

Gene: PRPH2 (peripherin 2; minus strand). Cytogenetic location: 6p21.1.
Variant type: single nucleotide variant.
Coding change: c.794T>G on transcript NM_000322.5 (MANE Select); coding-DNA position 794, T replaced by G.
Protein change: p.Met265Arg; replaces methionine 265 with arginine.
Molecular consequence: missense variant.
Genome position (GRCh38, 1-based): chr6:42,704,399, A>C on the plus strand (T>G on the coding strand, the complement: PRPH2 is on the minus strand). VCF-style: chr6-42704399-A-C. GRCh37 (hg19) VCF-style: chr6-42672137-A-C.
Other names: short protein forms M265R.
Identifiers: ClinVar variation 812385 (VCV000812385.2), dbSNP rs1582764600, ClinGen allele CA364134729.
Genomic context (GRCh38, chr6:42,704,399, plus strand): 5'-CTACCCCCAGCTGGCCCAGGGCCTACCTCGAAGAGCCAAATGAGGAGCGTGACGACACCC[A>C]TGGAGTTCATGAGGCTGCTGTAGTAGCTCAGCAGGGCAGCCCTGCAGCCACGCACCCACA-3'
Protein context (NP_000313.2, residues 255-275): LSYYSSLMNS[Met265Arg]GVVTLLIWLF

ClinVar aggregate classification (germline): Likely pathogenic. Review status: no assertion criteria provided (0 of 4 stars). 2 submissions from 2 submitters: Likely pathogenic (2). Last evaluated 2020-08-28.

Conditions:
Patterned macular dystrophy 1. Also called: BUTTERFLY DYSTROPHY OF RETINAL PIGMENT EPITHELIUM; MACULAR DYSTROPHY, BUTTERFLY-SHAPED PIGMENTARY. Identifiers: Orphanet 99001, MedGen C4551999, MONDO:0008210, OMIM 169150.

Submissions (2):

Leiden Open Variation Database
Classification: Likely pathogenic. Last evaluated: 2020-08-28. Review status: no assertion criteria provided. Collection method: curation. Allele origin: germline. Affected: yes.
Comment: Curator: Global Variome, with Curator vacancy. Submitter to LOVD: Global Variome, with Curator vacancy.

Sharon lab, Hadassah-Hebrew University Medical Center
Classification: Likely pathogenic for Pattern dystrophy. Last evaluated: 2019-06-23. Review status: no assertion criteria provided. Collection method: research. Allele origin: inherited. Affected: yes.

Literature cited by the submitters: PubMed 31456290 (cited by Leiden Open Variation Database).